The following is an entry in ClinVar:

NM_001103.4(ACTN2):c.1266G>C (p.Gln422His)

Gene: ACTN2 (actinin alpha 2; plus strand). Cytogenetic location: 1q43.
Variant type: single nucleotide variant.
Coding change: c.1266G>C on transcript NM_001103.4 (MANE Select); coding-DNA position 1266, G replaced by C.
Protein change: p.Gln422His; replaces glutamine 422 with histidine.
Molecular consequence: missense variant. On other transcripts: non-coding transcript variant (1).
Genome position (GRCh38, 1-based): chr1:236,744,636, G>C. VCF-style: chr1-236744636-G-C. GRCh37 (hg19) VCF-style: chr1-236907936-G-C.
Other names: c.1266G>C, p.Gln422His (NM_001278343.2); short protein forms Q422H.
Identifiers: ClinVar variation 4867475 (VCV004867475.1).
Genomic context (GRCh38, chr1:236,744,636, plus strand): 5'-AGCCGCTGTGCCCTCAGCATATTCATACTTTCTTGCTACCACCTTTGCAGGCAAAGAGCA[G>C]ATCTTGCTGCAGAAGGATTACGAGTCGGCGTCGCTGACAGAGGTGCGGGCTCTGCTGCGG-3'
Protein context (NP_001094.1, residues 412-432): THETWAYGKE[Gln422His]ILLQKDYESA

ClinVar aggregate classification (germline): Uncertain significance (1 of 4 stars; one submission).

Conditions:
Cardiovascular phenotype. Identifiers: MedGen CN230736.

gnomAD v4.1: 4 of 1,614,214 alleles (0.00025%); highest among the groups gnomAD compares: Admixed American, 0.0017%; no homozygotes.

Submission:

Ambry Genetics
Classification: Uncertain significance for Cardiovascular phenotype. Last evaluated: 2026-06-12. Review status: criteria provided, single submitter. Criteria: Ambry Variant Classification Scheme 2023. Collection method: clinical testing. Allele origin: germline.
Comment: The p.Q422H variant (also known as c.1266G>C), located in coding exon 12 of the ACTN2 gene, results from a G to C substitution at nucleotide position 1266. The glutamine at codon 422 is replaced by histidine, an amino acid with highly similar properties. This amino acid position is conserved. In addition, this alteration is predicted to be tolerated by in silico analysis. Based on the available evidence, the clinical significance of this variant remains unclear.